The following is an entry in ClinVar:

NM_001005242.3(PKP2):c.176A>G (p.Gln59Arg)

Gene: PKP2 (plakophilin 2; minus strand). Cytogenetic location: 12p11.21.
Variant type: single nucleotide variant.
Coding change: c.176A>G on transcript NM_001005242.3 (MANE Select); coding-DNA position 176, A replaced by G.
Protein change: p.Gln59Arg; replaces glutamine 59 with arginine.
Molecular consequence: missense variant.
Genome position (GRCh38, 1-based): chr12:32,896,556, T>C on the plus strand (A>G on the coding strand, the complement: PKP2 is on the minus strand). VCF-style: chr12-32896556-T-C. GRCh37 (hg19) VCF-style: chr12-33049490-T-C.
Other names: c.176A>G, p.Gln59Arg (NM_001407155.1, NM_001407156.1, NM_001407157.1 and 2 more transcripts); c.-651A>G (NM_001407158.1, NM_001407162.1); c.-415A>G (NM_001407159.1, NM_001407160.1); short protein forms Q59R.
Identifiers: ClinVar variation 1779748 (VCV001779748.4), dbSNP rs730880179, ClinGen allele CA384370877.

ClinVar aggregate classification (germline): Uncertain significance. Review status: criteria provided, multiple submitters, no conflicts (2 of 4 stars). 2 submissions from 2 submitters: Uncertain significance (2). Last evaluated 2024-03-06.

Conditions:
Cardiomyopathy (CMYO). Also called: Cardiomyopathies. Identifiers: Orphanet 167848, MedGen C0878544, MONDO:0004994, HP:0001638. Inheritance: Various modes of inheritance.
Cardiovascular phenotype. Identifiers: MedGen CN230736.

Allele frequency attached by ClinVar (database versions not stated): TOPMed below 0.00001.
gnomAD v4.1: 5 of 1,588,018 alleles (0.00031%); highest among the groups gnomAD compares: Non-Finnish European, 0.00043%; no homozygotes.

Submissions (2):

Color Diagnostics, LLC DBA Color Health
Classification: Uncertain significance for Cardiomyopathy. Last evaluated: 2024-03-06. Review status: criteria provided, single submitter. Criteria: ACMG Guidelines, 2015. Collection method: clinical testing. Allele origin: germline.
Comment: This missense variant replaces glutamine with arginine at codon 59 of the PKP2 protein. Computational prediction suggests that this variant may not impact protein structure and function (internally defined REVEL score threshold <= 0.5, PMID: 27666373). To our knowledge, functional studies have not been reported for this variant. This variant has not been reported in individuals affected with cardiovascular disorders in the literature. This variant has not been identified in the general population by the Genome Aggregation Database (gnomAD). The available evidence is insufficient to determine the role of this variant in disease conclusively. Therefore, this variant is classified as a Variant of Uncertain Significance.

Ambry Genetics
Classification: Uncertain significance for Cardiovascular phenotype. Last evaluated: 2022-04-29. Review status: criteria provided, single submitter. Criteria: Ambry Variant Classification Scheme 2023. Collection method: clinical testing. Allele origin: germline.
Comment: The p.Q59R variant (also known as c.176A>G), located in coding exon 1 of the PKP2 gene, results from an A to G substitution at nucleotide position 176. The glutamine at codon 59 is replaced by arginine, an amino acid with highly similar properties. This amino acid position is conserved. In addition, the in silico prediction for this alteration is inconclusive. Since supporting evidence is limited at this time, the clinical significance of this alteration remains unclear.